The following is an entry in ClinVar:

ClinVar aggregate classification (germline): Likely benign (1 of 4 stars; one submission).

Allele frequency attached by ClinVar (database versions not stated): 1000 Genomes Project 30x 0.00281; gnomAD 0.00410 and 0.00437; TOPMed 0.00470.

Submission:

GeneDx
Classification: Likely benign. Last evaluated: 2017-08-07. Review status: criteria provided, single submitter. Criteria: GeneDx Variant Classification (06012015). Collection method: clinical testing. Allele origin: germline. Affected: yes.
Comment: This variant is considered likely benign or benign based on one or more of the following criteria: it is a conservative change, it occurs at a poorly conserved position in the protein, it is predicted to be benign by multiple in silico algorithms, and/or has population frequency not consistent with disease.

NM_006612.6(KIF1C):c.-169C>G

Genes: KIF1C (kinesin family member 1C; plus strand), LOC130060061 (ATAC-STARR-seq lymphoblastoid silent region 8061; plus strand). Cytogenetic location: 17p13.2.
Variant type: single nucleotide variant.
Coding change: c.-169C>G on transcript NM_006612.6 (MANE Select); 169 bases upstream of the start codon, C replaced by G.
Molecular consequence: 5 prime UTR variant.
Genome position (GRCh38, 1-based): chr17:4,998,136, C>G. VCF-style: chr17-4998136-C-G. GRCh37 (hg19) VCF-style: chr17-4901431-C-G.
Identifiers: ClinVar variation 511252 (VCV000511252.1), dbSNP rs867807085, ClinGen allele CA287209506.
Genomic context (GRCh38, chr17:4,998,136, plus strand): 5'-ATCCTTCCCGCTTCCGCCTCACGCTTCCCGGAAAGCTTGTCCCTCTCCGCCGAGCTGCTC[C>G]GGGAGCCCCGCCGCGCCGAGGTGAGGGCTGGGGAAGGGGGAGGGAAGGGACGCCCGCGGA-3'